The following is an entry in ClinVar:

ClinVar aggregate classification (germline): Likely pathogenic (1 of 4 stars; one submission).

Submission:

Labcorp Genetics (formerly Invitae), Labcorp
Classification: Likely pathogenic. Last evaluated: 2023-12-07. Review status: criteria provided, single submitter. Criteria: Invitae Variant Classification Sherloc (09022015). Collection method: clinical testing. Allele origin: germline.
Comment: This sequence change replaces glycine, which is neutral and non-polar, with alanine, which is neutral and non-polar, at codon 978 of the ABCA4 protein (p.Gly978Ala). This variant is not present in population databases (gnomAD no frequency). This missense change has been observed in individual(s) with cone-rod dystrophy (Invitae). ClinVar contains an entry for this variant (Variation ID: 1471057). Advanced modeling of protein sequence and biophysical properties (such as structural, functional, and spatial information, amino acid conservation, physicochemical variation, residue mobility, and thermodynamic stability) performed at Invitae indicates that this missense variant is expected to disrupt ABCA4 protein function with a positive predictive value of 95%. This variant disrupts the p.Gly978 amino acid residue in ABCA4. Other variant(s) that disrupt this residue have been determined to be pathogenic (PMID: 28559085). This suggests that this residue is clinically significant, and that variants that disrupt this residue are likely to be disease-causing. In summary, the currently available evidence indicates that the variant is pathogenic, but additional data are needed to prove that conclusively. Therefore, this variant has been classified as Likely Pathogenic.

Literature cited by the submitters: PubMed 28559085.

NM_000350.3(ABCA4):c.2933G>C (p.Gly978Ala)

Gene: ABCA4 (ATP binding cassette subfamily A member 4; minus strand). Cytogenetic location: 1p22.1.
Variant type: single nucleotide variant.
Coding change: c.2933G>C on transcript NM_000350.3 (MANE Select); coding-DNA position 2933, G replaced by C.
Protein change: p.Gly978Ala; replaces glycine 978 with alanine.
Molecular consequence: missense variant.
Genome position (GRCh38, 1-based): chr1:94,044,730, C>G on the plus strand (G>C on the coding strand, the complement: ABCA4 is on the minus strand). VCF-style: chr1-94044730-C-G. GRCh37 (hg19) VCF-style: chr1-94510286-C-G.
Other names: c.2711G>C, p.Gly904Ala (NM_001425324.1); short protein forms G978A, G904A.
Identifiers: ClinVar variation 1471057 (VCV001471057.6), dbSNP rs61749453, ClinGen allele CA341275248.
Genomic context (GRCh38, chr1:94,044,730, plus strand): 5'-AGGCTGGTTTCAATGTCCCTTCCCCCAACGAGCACAGTCCCAGAGGTTGGTGGCAACAGA[C>G]CCGTCAGGATGGACCTGCAGAACACAGGCGTCAGTGGCAGAAGAGATGGCCTTTAGCAAC-3'
Protein context (NP_000341.2, residues 968-988): GKTTTLSILT[Gly978Ala]LLPPTSGTVL